The following is an entry in ClinVar:

ClinVar aggregate classification (germline): Uncertain significance (1 of 4 stars; one submission).

Allele frequency attached by ClinVar (database versions not stated): TOPMed below 0.00001.
gnomAD v4.1: 1 of 1,614,094 alleles (0.000062%); highest among the groups gnomAD compares: Non-Finnish European, 0.000085%; no homozygotes.

Submission:

Labcorp Genetics (formerly Invitae), Labcorp
Classification: Uncertain significance. Last evaluated: 2021-09-24. Review status: criteria provided, single submitter. Criteria: Invitae Variant Classification Sherloc (09022015). Collection method: clinical testing. Allele origin: germline.
Comment: This sequence change replaces serine with leucine at codon 2251 of the USH2A protein (p.Ser2251Leu). The serine residue is highly conserved and there is a large physicochemical difference between serine and leucine. This variant is not present in population databases (ExAC no frequency). This variant has not been reported in the literature in individuals with USH2A-related conditions. Algorithms developed to predict the effect of missense changes on protein structure and function are either unavailable or do not agree on the potential impact of this missense change (SIFT: "Deleterious"; PolyPhen-2: "Possibly Damaging"; Align-GVGD: "Class C15"). In summary, the available evidence is currently insufficient to determine the role of this variant in disease. Therefore, it has been classified as a Variant of Uncertain Significance.

NM_206933.4(USH2A):c.6752C>T (p.Ser2251Leu)

Gene: USH2A (usherin; minus strand). Cytogenetic location: 1q41.
Variant type: single nucleotide variant.
Coding change: c.6752C>T on transcript NM_206933.4 (MANE Select); coding-DNA position 6752, C replaced by T.
Protein change: p.Ser2251Leu; replaces serine 2251 with leucine.
Molecular consequence: missense variant.
Genome position (GRCh38, 1-based): chr1:215,993,073, G>A on the plus strand (C>T on the coding strand, the complement: USH2A is on the minus strand). VCF-style: chr1-215993073-G-A. GRCh37 (hg19) VCF-style: chr1-216166415-G-A.
Other names: short protein forms S2251L.
Identifiers: ClinVar variation 1523241 (VCV001523241.5), dbSNP rs1302722012, ClinGen allele CA344860396.